The following is an entry in ClinVar:

ClinVar aggregate classification (germline): Uncertain significance. Review status: criteria provided, multiple submitters, no conflicts (2 of 4 stars). 5 submissions from 5 submitters: Uncertain significance (5). Last evaluated 2025-09-21.

Conditions:
Cardiovascular phenotype. Identifiers: MedGen CN230736.
Familial isolated arrhythmogenic right ventricular dysplasia. Identifiers: Orphanet 217656, MedGen C4274968, MONDO:0016342.
Cardiomyopathy (CMYO). Also called: Cardiomyopathies. Identifiers: Orphanet 167848, MedGen C0878544, MONDO:0004994, HP:0001638. Inheritance: Various modes of inheritance.
Arrhythmogenic right ventricular dysplasia 11. Also called: ARRHYTHMOGENIC RIGHT VENTRICULAR DYSPLASIA, FAMILIAL, 11; Arrhythmogenic Right Ventricular Dysplasia/Cardiomyopathy11; Arrhythmogenic right ventricular dysplasia 11 with mild palmoplantar keratoderma and woolly hair. Identifiers: MedGen C1864850, MONDO:0012506, OMIM 610476.

Allele frequency attached by ClinVar (database versions not stated): gnomAD exomes 0.00001 and below 0.00001.
gnomAD v4.1: 4 of 1,613,980 alleles (0.00025%); highest among the groups gnomAD compares: Non-Finnish European, 0.00025%; no homozygotes.

Submissions (5):

Labcorp Genetics (formerly Invitae), Labcorp
Classification: Uncertain significance for Arrhythmogenic right ventricular dysplasia 11. Last evaluated: 2025-09-21. Review status: criteria provided, single submitter. Criteria: Invitae Variant Classification Sherloc (09022015). Collection method: clinical testing. Allele origin: germline.
Comment: This sequence change replaces asparagine, which is neutral and polar, with serine, which is neutral and polar, at codon 571 of the DSC2 protein (p.Asn571Ser). This variant is present in population databases (no rsID available, gnomAD 0.003%). This variant has not been reported in the literature in individuals affected with DSC2-related conditions. ClinVar contains an entry for this variant (Variation ID: 922091). Invitae Evidence Modeling of protein sequence and biophysical properties (such as structural, functional, and spatial information, amino acid conservation, physicochemical variation, residue mobility, and thermodynamic stability) indicates that this missense variant is expected to disrupt DSC2 protein function with a positive predictive value of 80%. In summary, the available evidence is currently insufficient to determine the role of this variant in disease. Therefore, it has been classified as a Variant of Uncertain Significance.

All of Us Research Program, National Institutes of Health
Classification: Uncertain significance for Familial isolated arrhythmogenic right ventricular dysplasia. Last evaluated: 2024-04-10. Review status: criteria provided, single submitter. Criteria: ACMG Guidelines, 2015. Collection method: clinical testing. Allele origin: germline. Inheritance: Autosomal dominant inheritance. Observed: 1 variant allele, 1 heterozygote.
Comment: This missense variant replaces asparagine with serine at codon 571 of the DSC2 protein. Computational prediction tool is inconclusive regarding the impact of this variant on protein structure and function (internally defined REVEL score threshold 0.5 < inconclusive < 0.7, PMID: 27666373). Splice site prediction tools suggest that this variant may not impact RNA splicing. To our knowledge, functional studies have not been performed for this variant. This variant has not been reported in individuals affected with cardiovascular disorders in the literature. This variant has been identified in 3/250996 chromosomes in the general population by the Genome Aggregation Database (gnomAD). The available evidence is insufficient to determine the role of this variant in disease conclusively. Therefore, this variant is classified as a Variant of Uncertain Significance.

This study involves interpretation of variants in research participants for the purpose of population health screening. Participant phenotype was not available at the time of variant classification. Additional details can be found in publication PMID: 35346344, PMCID: PMC8962531

Color Diagnostics, LLC DBA Color Health
Classification: Uncertain significance for Cardiomyopathy. Last evaluated: 2024-03-06. Review status: criteria provided, single submitter. Criteria: ACMG Guidelines, 2015. Collection method: clinical testing. Allele origin: germline.
Comment: This missense variant replaces asparagine with serine at codon 571 of the DSC2 protein. Computational prediction tool is inconclusive regarding the impact of this variant on protein structure and function (internally defined REVEL score threshold 0.5 < inconclusive < 0.7, PMID: 27666373). Splice site prediction tools suggest that this variant may not impact RNA splicing. To our knowledge, functional studies have not been performed for this variant. This variant has not been reported in individuals affected with cardiovascular disorders in the literature. This variant has been identified in 3/250996 chromosomes in the general population by the Genome Aggregation Database (gnomAD). The available evidence is insufficient to determine the role of this variant in disease conclusively. Therefore, this variant is classified as a Variant of Uncertain Significance.

Ambry Genetics
Classification: Uncertain significance for Cardiovascular phenotype. Last evaluated: 2023-09-07. Review status: criteria provided, single submitter. Criteria: Ambry Variant Classification Scheme 2023. Collection method: clinical testing. Allele origin: germline.
Comment: The p.N571S variant (also known as c.1712A>G), located in coding exon 12 of the DSC2 gene, results from an A to G substitution at nucleotide position 1712. The asparagine at codon 571 is replaced by serine, an amino acid with highly similar properties. This amino acid position is conserved. In addition, the in silico prediction for this alteration is inconclusive. Since supporting evidence is limited at this time, the clinical significance of this alteration remains unclear.

CHEO Genetics Diagnostic Laboratory, Children's Hospital of Eastern Ontario
Classification: Uncertain significance for Cardiomyopathy. Last evaluated: 2021-03-10. Review status: criteria provided, single submitter. Criteria: ACMG Guidelines, 2015. Collection method: clinical testing. Allele origin: germline.

NM_024422.6(DSC2):c.1712A>G (p.Asn571Ser)

Gene: DSC2 (desmocollin 2; minus strand). Cytogenetic location: 18q12.1.
Variant type: single nucleotide variant.
Coding change: c.1712A>G on transcript NM_024422.6 (MANE Select); coding-DNA position 1712, A replaced by G.
Protein change: p.Asn571Ser; replaces asparagine 571 with serine.
Molecular consequence: missense variant.
Genome position (GRCh38, 1-based): chr18:31,074,859, T>C on the plus strand (A>G on the coding strand, the complement: DSC2 is on the minus strand). VCF-style: chr18-31074859-T-C. GRCh37 (hg19) VCF-style: chr18-28654825-T-C.
Other names: c.1712A>G, p.Asn571Ser (NM_004949.5); short protein forms N571S.
Identifiers: ClinVar variation 922091 (VCV000922091.16), dbSNP rs1462605063, ClinGen allele CA402114329.